The following is an entry in ClinVar:

ClinVar aggregate classification (germline): Uncertain significance (1 of 4 stars; one submission).

Conditions:
Pitt-Hopkins-like syndrome 2 (PTHSL2). Identifiers: Orphanet 221150, Orphanet 600663, MedGen C3280479, MONDO:0013690, OMIM 614325.

Allele frequency attached by ClinVar (database versions not stated): gnomAD exomes 0.00001; ExAC 0.00002; TOPMed 0.00002; ESP Exome Variant Server 0.00008.
gnomAD v4.1: 10 of 1,611,058 alleles (0.00062%); highest among the groups gnomAD compares: African/African-American, 0.008%; no homozygotes.

Submission:

Labcorp Genetics (formerly Invitae), Labcorp
Classification: Uncertain significance for Pitt-Hopkins-like syndrome 2. Last evaluated: 2025-01-30. Review status: criteria provided, single submitter. Criteria: Invitae Variant Classification Sherloc (09022015). Collection method: clinical testing. Allele origin: germline.
Comment: This sequence change replaces lysine, which is basic and polar, with arginine, which is basic and polar, at codon 181 of the NRXN1 protein (p.Lys181Arg). This variant is present in population databases (rs376904592, gnomAD 0.01%). This variant has not been reported in the literature in individuals affected with NRXN1-related conditions. ClinVar contains an entry for this variant (Variation ID: 952276). An algorithm developed to predict the effect of missense changes on protein structure and function outputs the following: PolyPhen-2: "Benign". The arginine amino acid residue is found in multiple mammalian species, which suggests that this missense change does not adversely affect protein function. In summary, the available evidence is currently insufficient to determine the role of this variant in disease. Therefore, it has been classified as a Variant of Uncertain Significance.

NM_001330078.2(NRXN1):c.542A>G (p.Lys181Arg)

Gene: NRXN1 (neurexin 1; minus strand). Cytogenetic location: 2p16.3.
Variant type: single nucleotide variant.
Coding change: c.542A>G on transcript NM_001330078.2 (MANE Select); coding-DNA position 542, A replaced by G.
Protein change: p.Lys181Arg; replaces lysine 181 with arginine.
Molecular consequence: missense variant.
Genome position (GRCh38, 1-based): chr2:51,027,732, T>C on the plus strand (A>G on the coding strand, the complement: NRXN1 is on the minus strand). VCF-style: chr2-51027732-T-C. GRCh37 (hg19) VCF-style: chr2-51254870-T-C.
Other names: c.542A>G, p.Lys181Arg (NM_001135659.3, NM_001330077.2, NM_001330079.2 and 15 more transcripts); short protein forms K181R.
Identifiers: ClinVar variation 952276 (VCV000952276.5), dbSNP rs376904592, ClinGen allele CA1655460.